The following is an entry in ClinVar:

NM_000179.3(MSH6):c.3850_3853dup (p.Phe1285fs)

Gene: MSH6 (mutS homolog 6; plus strand). Cytogenetic location: 2p16.3.
Variant type: Duplication.
Coding change: c.3850_3853dup on transcript NM_000179.3 (MANE Select); coding-DNA positions 3850 to 3853, 4 bases duplicated (ACGT; older notation c.3850_3853dupACGT).
Protein change: p.Phe1285fs; shifts the reading frame from phenylalanine 1285.
Molecular consequence: frameshift variant.
Genome position (GRCh38, 1-based): chr2:47,806,500-47,806,503, ACGT duplicated; duplicating any 4 consecutive bases within chr2:47,806,499-47,806,503 gives the same sequence; the c. name uses the placement nearest the transcript's 3' end. VCF-style (leftmost placement, unchanged base first): chr2-47806498-T-TTACG. GRCh37 (hg19) VCF-style: chr2-48033637-T-TTACG.
Other names: c.3460_3463dup, p.Phe1155fs (NM_001281492.2); c.2944_2947dup, p.Phe983fs (NM_001281493.2, NM_001281494.2); c.3946_3949dup, p.Phe1317Tyrfs (NM_001406795.1); c.3850_3853dup, p.Phe1285Tyrfs (NM_001406796.1, NM_001406808.1, NM_001406809.1); c.3553_3556dup, p.Phe1186Tyrfs (NM_001406797.1, NM_001406801.1, NM_001406805.1 and 10 more transcripts); c.3676_3679dup, p.Phe1227Tyrfs (NM_001406798.1); c.3325_3328dup, p.Phe1110Tyrfs (NM_001406799.1, NM_001406806.1, NM_001406807.1); c.3837_3840dup, p.Ser1281Thrfs (NM_001406800.1); and 10 more; short protein forms F1285fs, F1155fs, F983fs.
Identifiers: ClinVar variation 1735519 (VCV001735519.7), dbSNP rs2530860531, ClinGen allele CA2580067398.
Genomic context (GRCh38, chr2:47,806,498, plus strand): 5'-TTTTCTTTCTTAAGGCATGCATGGTAGAAAATGAATGTGAAGACCCCAGCCAGGAGACTA[T>TTACG]TACGTTCCTCTATAAATTCATTAAGGGAGCTTGTCCTAAAAGCTATGGCTTTAATGCAGC-3'

ClinVar aggregate classification (germline): Pathogenic. Review status: criteria provided, multiple submitters, no conflicts (2 of 4 stars). 3 submissions from 3 submitters: Pathogenic (3). Last evaluated 2024-06-19.

Conditions:
Hereditary nonpolyposis colorectal neoplasms. Identifiers: MedGen C0009405, MeSH D003123.
Hereditary cancer-predisposing syndrome. Also called: Neoplastic Syndromes, Hereditary; Tumor predisposition; Hereditary Cancer Syndrome; Hereditary neoplastic syndrome. Identifiers: Orphanet 140162, MedGen C0027672, MeSH D009386, MONDO:0015356.
Lynch syndrome 5 (LYNCH5). Also called: Colorectal cancer, hereditary nonpolyposis, type 5; Hereditary non-polyposis colorectal cancer, type 5. Identifiers: Orphanet 144, MedGen C1833477, MONDO:0013710, OMIM 614350. Disease mechanism: loss of function.

Submissions (3):

Ambry Genetics
Classification: Pathogenic for Hereditary cancer-predisposing syndrome. Last evaluated: 2024-06-19. Review status: criteria provided, single submitter. Criteria: Ambry Variant Classification Scheme 2023. Collection method: clinical testing. Allele origin: germline.
Comment: The c.3850_3853dupACGT pathogenic mutation, located in coding exon 9 of the MSH6 gene, results from a duplication of ACGT at nucleotide position 3850, causing a translational frameshift with a predicted alternate stop codon (p.F1285Yfs*5). This alteration is expected to result in loss of function by premature protein truncation or nonsense-mediated mRNA decay. As such, this alteration is interpreted as a disease-causing mutation.

Myriad Genetics, Inc.
Classification: Pathogenic for Lynch syndrome 5. Last evaluated: 2023-08-25. Review status: criteria provided, single submitter. Criteria: Myriad Autosomal Dominant, Autosomal Recessive and X-Linked Classification Criteria (2023). Collection method: clinical testing. Allele origin: unknown.
Comment: This variant is considered pathogenic. This variant creates a frameshift predicted to result in premature protein truncation.

Labcorp Genetics (formerly Invitae), Labcorp
Classification: Pathogenic for Hereditary nonpolyposis colorectal neoplasms. Last evaluated: 2023-01-15. Review status: criteria provided, single submitter. Criteria: Invitae Variant Classification Sherloc (09022015). Collection method: clinical testing. Allele origin: germline.
Comment: This sequence change creates a premature translational stop signal (p.Phe1285Tyrfs*5) in the MSH6 gene. It is expected to result in an absent or disrupted protein product. Loss-of-function variants in MSH6 are known to be pathogenic (PMID: 18269114, 24362816). For these reasons, this variant has been classified as Pathogenic. ClinVar contains an entry for this variant (Variation ID: 1735519). This variant has not been reported in the literature in individuals affected with MSH6-related conditions. This variant is not present in population databases (gnomAD no frequency).

Literature cited by the submitters: PubMed 18269114 (cited by Labcorp Genetics (formerly Invitae), Labcorp); PubMed 24362816 (cited by Labcorp Genetics (formerly Invitae), Labcorp).